The following is an entry in ClinVar:

ClinVar aggregate classification (germline): Uncertain significance (1 of 4 stars; one submission).

Submission:

Ambry Genetics
Classification: Uncertain significance. Last evaluated: 2025-04-01. Review status: criteria provided, single submitter. Criteria: Ambry Variant Classification Scheme 2023. Collection method: clinical testing. Allele origin: germline.
Comment: The p.N167H variant (also known as c.499A>C), located in coding exon 1 of the EGLN1 gene, results from an A to C substitution at nucleotide position 499. The asparagine at codon 167 is replaced by histidine, an amino acid with similar properties. This amino acid position is conserved. In addition, this alteration is predicted to be tolerated by in silico analysis. Based on the available evidence, the clinical significance of this variant remains unclear.

NM_022051.3(EGLN1):c.499A>C (p.Asn167His)

Gene: EGLN1 (egl-9 family hypoxia inducible factor 1; minus strand). Cytogenetic location: 1q42.2.
Variant type: single nucleotide variant.
Coding change: c.499A>C on transcript NM_022051.3 (MANE Select); coding-DNA position 499, A replaced by C.
Protein change: p.Asn167His; replaces asparagine 167 with histidine.
Molecular consequence: missense variant.
Genome position (GRCh38, 1-based): chr1:231,421,390, T>G on the plus strand (A>C on the coding strand, the complement: EGLN1 is on the minus strand). VCF-style: chr1-231421390-T-G. GRCh37 (hg19) VCF-style: chr1-231557136-T-G.
Other names: c.499A>C, p.Asn167His (NM_001377260.1, NM_001377261.1); short protein forms N167H.
Identifiers: ClinVar variation 4016852 (VCV004016852.1).
Genomic context (GRCh38, chr1:231,421,390, plus strand): 5'-GCTTCGTCTGCCCGTTGGGCCGCAGGCCGCCGCCGGGGCTCAGCGCATCCCCGGGCGTGT[T>G]GCTTGGGGGGTACAGGTTCGCCTTCTCCTGGAACAGCGATGAGCGGGCCGGCGGCTCCTC-3'
Protein context (NP_071334.1, residues 157-177): QEKANLYPPS[Asn167His]TPGDALSPGG